The following is an entry in ClinVar:

NM_032043.3(BRIP1):c.2264C>T (p.Ala755Val)

Gene: BRIP1 (BRCA1 interacting DNA helicase 1; minus strand). Cytogenetic location: 17q23.2.
Variant type: single nucleotide variant.
Coding change: c.2264C>T on transcript NM_032043.3 (MANE Select); coding-DNA position 2264, C replaced by T.
Protein change: p.Ala755Val; replaces alanine 755 with valine.
Molecular consequence: missense variant.
Genome position (GRCh38, 1-based): chr17:61,743,128, G>A on the plus strand (C>T on the coding strand, the complement: BRIP1 is on the minus strand). VCF-style: chr17-61743128-G-A. GRCh37 (hg19) VCF-style: chr17-59820489-G-A.
Other names: short protein forms A755V.
Identifiers: ClinVar variation 530342 (VCV000530342.15), dbSNP rs1555590565, ClinGen allele CA400482753.

ClinVar aggregate classification (germline): Uncertain significance. Review status: criteria provided, multiple submitters, no conflicts (2 of 4 stars). 3 submissions from 3 submitters: Uncertain significance (3). Last evaluated 2025-06-17.

Conditions:
Hereditary cancer-predisposing syndrome. Also called: Neoplastic Syndromes, Hereditary; Hereditary neoplastic syndrome; Tumor predisposition; Hereditary Cancer Syndrome. Identifiers: Orphanet 140162, MedGen C0027672, MeSH D009386, MONDO:0015356.
Fanconi anemia complementation group J. Also called: BRIP1-Related Fanconi Anemia. Identifiers: Orphanet 84, MedGen C1836860, MONDO:0012187, OMIM 609054.
Familial cancer of breast. Also called: BREAST CANCER, FAMILIAL; hereditary breast carcinoma; Hereditary breast cancer. Identifiers: Orphanet 227535, MedGen C0346153, MONDO:0016419, OMIM 114480. Disease mechanism: loss of function.

Submissions (3):

St. Jude Molecular Pathology, St. Jude Children's Research Hospital
Classification: Uncertain significance for Familial cancer of breast. Last evaluated: 2025-06-17. Review status: criteria provided, single submitter. Criteria: St. Jude Assertion Criteria 2020. Collection method: clinical testing. Allele origin: germline.
Comment: The BRIP1 c.2264C>T p.(Ala755Val) missense change is absent in gnomAD v2.1.1. The in silico tool REVEL predicts a deleterious effect on protein function, but to our knowledge this prediction has not been confirmed by functional studies. To our knowledge, this variant has not been reported in individuals with BRIP1-associated conditions. In summary, the evidence currently available is insufficient to determine the clinical significance of this variant. It has therefore been classified as of uncertain significance.

Ambry Genetics
Classification: Uncertain significance for Hereditary cancer-predisposing syndrome. Last evaluated: 2024-04-26. Review status: criteria provided, single submitter. Criteria: Ambry Variant Classification Scheme 2023. Collection method: clinical testing. Allele origin: germline.
Comment: The p.A755V variant (also known as c.2264C>T), located in coding exon 15 of the BRIP1 gene, results from a C to T substitution at nucleotide position 2264. The alanine at codon 755 is replaced by valine, an amino acid with similar properties. This amino acid position is conserved. In addition, this alteration is predicted to be deleterious by in silico analysis. Since supporting evidence is limited at this time, the clinical significance of this alteration remains unclear.

Labcorp Genetics (formerly Invitae), Labcorp
Classification: Uncertain significance for Familial cancer of breast; Fanconi anemia complementation group J. Last evaluated: 2023-02-22. Review status: criteria provided, single submitter. Criteria: Invitae Variant Classification Sherloc (09022015). Collection method: clinical testing. Allele origin: germline.
Comment: In summary, the available evidence is currently insufficient to determine the role of this variant in disease. Therefore, it has been classified as a Variant of Uncertain Significance. Advanced modeling of protein sequence and biophysical properties (such as structural, functional, and spatial information, amino acid conservation, physicochemical variation, residue mobility, and thermodynamic stability) performed at Invitae indicates that this missense variant is not expected to disrupt BRIP1 protein function. ClinVar contains an entry for this variant (Variation ID: 530342). This variant has not been reported in the literature in individuals affected with BRIP1-related conditions. This variant is not present in population databases (gnomAD no frequency). This sequence change replaces alanine, which is neutral and non-polar, with valine, which is neutral and non-polar, at codon 755 of the BRIP1 protein (p.Ala755Val).